The following is an entry in ClinVar:

ClinVar aggregate classification (germline): Likely pathogenic. Review status: criteria provided, single submitter (1 of 4 stars). 2 submissions from 2 submitters: Likely pathogenic (1). 1 of the submissions does not count toward it. Last evaluated 2025-11-24.

Conditions:
Glucose-6-phosphate transport defect (GSD1B). Also called: Glycogen Storage Disease Type Ib; GSD Ib. Identifiers: Orphanet 364, Orphanet 79259, MedGen C0268146, MONDO:0009288, OMIM 232220.

Submissions (2):

Labcorp Genetics (formerly Invitae), Labcorp
Classification: Likely pathogenic for Glucose-6-phosphate transport defect. Last evaluated: 2025-11-24. Review status: criteria provided, single submitter. Criteria: Invitae Variant Classification Sherloc (09022015). Collection method: clinical testing. Allele origin: germline.
Comment: This sequence change replaces glycine, which is neutral and non-polar, with aspartic acid, which is acidic and polar, at codon 111 of the SLC37A4 protein (p.Gly111Asp). This variant is not present in population databases (gnomAD no frequency). This missense change has been observed in individual(s) with clinical features of glycogen storage disease (internal data). In at least one individual the data is consistent with being in trans (on the opposite chromosome) from a pathogenic variant. ClinVar contains an entry for this variant (Variation ID: 550698). Invitae Evidence Modeling of protein sequence and biophysical properties (such as structural, functional, and spatial information, amino acid conservation, physicochemical variation, residue mobility, and thermodynamic stability) indicates that this missense variant is expected to disrupt SLC37A4 protein function with a positive predictive value of 80%. In summary, the currently available evidence indicates that the variant is pathogenic, but additional data are needed to prove that conclusively. Therefore, this variant has been classified as Likely Pathogenic.

Counsyl
Classification: Uncertain significance for Glucose-6-phosphate transport defect. Last evaluated: 2017-02-08. Review status: no assertion criteria provided. Collection method: clinical testing. Allele origin: unknown. Not counted in ClinVar's aggregate classification.

NM_001164277.2(SLC37A4):c.332G>A (p.Gly111Asp)

Gene: SLC37A4 (solute carrier family 37 member 4; minus strand). Cytogenetic location: 11q23.3.
Variant type: single nucleotide variant.
Coding change: c.332G>A on transcript NM_001164277.2 (MANE Select); coding-DNA position 332, G replaced by A.
Protein change: p.Gly111Asp; replaces glycine 111 with aspartic acid.
Molecular consequence: missense variant.
Genome position (GRCh38, 1-based): chr11:119,028,243, C>T on the plus strand (G>A on the coding strand, the complement: SLC37A4 is on the minus strand). VCF-style: chr11-119028243-C-T. GRCh37 (hg19) VCF-style: chr11-118898953-C-T.
Other names: c.332G>A, p.Gly111Asp (NM_001164278.2, NM_001467.6, NM_001164280.2); c.113G>A, p.Gly38Asp (NM_001164279.2); short protein forms G111D, G38D.
Identifiers: ClinVar variation 550698 (VCV000550698.8), dbSNP rs1356550790, ClinGen allele CA382904755.
Genomic context (GRCh38, chr11:119,028,243, plus strand): 5'-GAAGCACTCACCTTCCGCAGGACCTTCCCACATGGGGGCCAGCCCAGCCCCTGGGCCAGG[C>T]CATTAAGGAACCAGAGGGCAGCAAAGACAGGTACTGTGGAGCTCCAGGCAAAGAATATGT-3'
Protein context (NP_001157749.1, residues 101-121): PVFAALWFLN[Gly111Asp]LAQGLGWPPC